The following is an entry in ClinVar:

ClinVar aggregate classification (germline): Uncertain significance (1 of 4 stars; one submission).

Submission:

Ambry Genetics
Classification: Uncertain significance. Last evaluated: 2025-12-10. Review status: criteria provided, single submitter. Criteria: Ambry Variant Classification Scheme 2023. Collection method: clinical testing. Allele origin: germline.
Comment: The p.A141S variant (also known as c.421G>T), located in coding exon 1 of the PALLD gene, results from a G to T substitution at nucleotide position 421. The alanine at codon 141 is replaced by serine, an amino acid with similar properties. This amino acid position is conserved. In addition, this alteration is predicted to be tolerated by in silico analysis. Based on the available evidence, the clinical significance of this variant remains unclear.

NM_001166108.2(PALLD):c.1965-12610G>T

Gene: PALLD (palladin, cytoskeletal associated protein; plus strand). Cytogenetic location: 4q32.3.
Variant type: single nucleotide variant.
Coding change: c.1965-12610G>T on transcript NM_001166108.2 (MANE Select); 12610 bases into the intron before coding-DNA position 1965, G replaced by T.
Molecular consequence: intron variant. On other transcripts: missense variant (1).
Genome position (GRCh38, 1-based): chr4:168,878,312, G>T. VCF-style: chr4-168878312-G-T. GRCh37 (hg19) VCF-style: chr4-169799463-G-T.
Other names: c.421G>T, p.Ala141Ser (NM_001166110.2); c.1965-12610G>T (NM_016081.4); c.819-12610G>T (NM_001166109.2); c.-157-12610G>T (NM_001367570.1, NM_001367568.1, NM_001367567.1 and 1 more transcripts); short protein forms A141S.
Identifiers: ClinVar variation 4564204 (VCV004564204.1).